The following is an entry in ClinVar:

ClinVar aggregate classification (germline): Uncertain significance (1 of 4 stars; one submission).

Submission:

Labcorp Genetics (formerly Invitae), Labcorp
Classification: Uncertain significance. Last evaluated: 2024-10-16. Review status: criteria provided, single submitter. Criteria: Invitae Variant Classification Sherloc (09022015). Collection method: clinical testing. Allele origin: germline.
Comment: This sequence change replaces arginine, which is basic and polar, with tryptophan, which is neutral and slightly polar, at codon 271 of the STAG2 protein (p.Arg271Trp). This variant is not present in population databases (gnomAD no frequency). This variant has not been reported in the literature in individuals affected with STAG2-related conditions. ClinVar contains an entry for this variant (Variation ID: 1477075). Invitae Evidence Modeling of protein sequence and biophysical properties (such as structural, functional, and spatial information, amino acid conservation, physicochemical variation, residue mobility, and thermodynamic stability) indicates that this missense variant is expected to disrupt STAG2 protein function with a positive predictive value of 80%. In summary, the available evidence is currently insufficient to determine the role of this variant in disease. Therefore, it has been classified as a Variant of Uncertain Significance.

NM_001042750.2(STAG2):c.811C>T (p.Arg271Trp)

Gene: STAG2 (STAG2 cohesin complex component; plus strand). Cytogenetic location: Xq25.
Variant type: single nucleotide variant.
Coding change: c.811C>T on transcript NM_001042750.2 (MANE Select); coding-DNA position 811, C replaced by T.
Protein change: p.Arg271Trp; replaces arginine 271 with tryptophan.
Molecular consequence: missense variant.
Genome position (GRCh38, 1-based): chrX:124,047,497, C>T. VCF-style: chrX-124047497-C-T. GRCh37 (hg19) VCF-style: chrX-123181347-C-T.
Other names: c.811C>T, p.Arg271Trp (NM_001042749.2, NM_001042751.2, NM_001282418.2 and 13 more transcripts); short protein forms R271W.
Identifiers: ClinVar variation 1477075 (VCV001477075.8), dbSNP rs2148196335, ClinGen allele CA414275601.